The following is an entry in ClinVar:

NM_000352.6(ABCC8):c.2521C>G (p.Arg841Gly)

Gene: ABCC8 (ATP binding cassette subfamily C member 8; minus strand). Cytogenetic location: 11p15.1.
Variant type: single nucleotide variant.
Coding change: c.2521C>G on transcript NM_000352.6 (MANE Select); coding-DNA position 2521, C replaced by G.
Protein change: p.Arg841Gly; replaces arginine 841 with glycine.
Molecular consequence: missense variant. On other transcripts: non-coding transcript variant (1).
Genome position (GRCh38, 1-based): chr11:17,412,701, G>C on the plus strand (C>G on the coding strand, the complement: ABCC8 is on the minus strand). VCF-style: chr11-17412701-G-C. GRCh37 (hg19) VCF-style: chr11-17434248-G-C.
Other names: c.2524C>G, p.Arg842Gly (NM_001287174.3); c.2587C>G, p.Arg863Gly (NM_001351295.2); c.2521C>G, p.Arg841Gly (NM_001351296.2); c.2518C>G, p.Arg840Gly (NM_001351297.2); c.2521C>G (NM_000352.4); short protein forms R840G, R842G, R863G, R841G.
Identifiers: ClinVar variation 1489024 (VCV001489024.10), dbSNP rs1484689392, ClinGen allele CA379807481.
Genomic context (GRCh38, chr11:17,412,701, plus strand): 5'-GGACCCCAAGGGAACTTGCACTCACCAAGAAGACAACGTTGGCGTGCTGGTAGAGGGCTC[G>C]GGCCACACTGATTCGCTGGCGTTGACCACCAGACAGGTTGATGCCCTGTCACCAAAGAGG-3'
Protein context (NP_000343.2, residues 831-851): GGQRQRISVA[Arg841Gly]ALYQHANVVF

ClinVar aggregate classification (germline): Likely pathogenic. Review status: criteria provided, multiple submitters, no conflicts (2 of 4 stars). 4 submissions from 4 submitters: Likely pathogenic (4). Last evaluated 2025-09-08.

Conditions:
Familial hyperinsulinism. Also called: Congenital hyperinsulinism. Identifiers: Orphanet 276525, MedGen C3888018, MONDO:0017182. Disease mechanism: loss of function.
Hereditary hyperinsulinism.
Hyperinsulinemic hypoglycemia, familial, 1 (HHF1). Also called: HYPERINSULINISM, FAMILIAL, WITH PANCREATIC NESIDIOBLASTOSIS; HYPOGLYCEMIA, HYPERINSULINEMIC, OF INFANCY; NESIDIOBLASTOSIS OF PANCREAS; Persistent hyperinsulinemic hypoglycemia of infancy; Persistent Hyperinsulinemia Hypoglycemia of Infancy. Identifiers: Orphanet 276575, Orphanet 276598, MedGen C2931832, MONDO:0009734, OMIM 256450.
Leucine-induced hypoglycemia (LIH). Also called: LEUCINE-SENSITIVE HYPOGLYCEMIA OF INFANCY. Identifiers: MedGen C0271714, MONDO:0009415, OMIM 240800.
Type 2 diabetes mellitus. Also called: Type II diabetes mellitus. Identifiers: MedGen C0011860, MeSH D003924, MONDO:0005148, OMIM 125853, HP:0005978.
Diabetes mellitus, transient neonatal, 2 (TNDM2). Identifiers: Orphanet 99886, MedGen C1835887, MONDO:0012480, OMIM 610374. Disease mechanism: loss of function.
Diabetes mellitus, permanent neonatal 3. Also called: ABCC8-Related Permanent Neonatal Diabetes Mellitus. Identifiers: MedGen C5394303, MONDO:0030088, OMIM 618857.

Allele frequency attached by ClinVar (database versions not stated): TOPMed below 0.00001.
gnomAD v4.1: 2 of 1,612,030 alleles (0.00012%); highest among the groups gnomAD compares: Non-Finnish European, 0.00017%; no homozygotes.

Submissions (4):

Natera, Inc.
Classification: Likely pathogenic for Hereditary hyperinsulinism. Last evaluated: 2025-09-08. Review status: criteria provided, single submitter. Criteria: Natera Variant Classification Schema (03/2026). Collection method: clinical testing. Allele origin: germline.
Comment: The c.2521C>G variant in ABCC8 is a missense variant predicted to cause substitution of arginine to glycine at amino acid 841. This variant is rare in the general population with a frequency below the threshold expected for the associated phenotype(s). This variant has been observed in one or more individuals affected with the associated recessive disease, as either homozygous or compound heterozygous with a second variant (PMID: 29095814). This variant has been identified in one or more affected individual with a phenotype highly consistent with the associated gene (PMID: 38212772). Functional studies show that this variant may disrupt protein function (PMID: 28346775). Computational prediction algorithms indicate this variant is likely to affect gene or protein function. Given the available evidence, this variant is classified as Likely Pathogenic.

Women's Health and Genetics/Laboratory Corporation of America, LabCorp
Classification: Likely pathogenic for Familial hyperinsulinism. Last evaluated: 2025-07-15. Review status: criteria provided, single submitter. Criteria: LabCorp Variant Classification Summary - May 2015. Collection method: clinical testing. Allele origin: germline.
Comment: Variant summary: ABCC8 c.2521C>G (p.Arg841Gly) results in a non-conservative amino acid change located in the ATP-binding domain (IPR003439) of the encoded protein sequence. Algorithms developed to predict the effect of missense changes on protein structure and function all suggest that this variant is likely to be disruptive. The variant was absent in 247456 control chromosomes. c.2521C>G has been observed in individuals affected with Congenital Hyperinsulinism (de Lonlay-Debeney_1999, Fournet_2001, Chang_2024). It has also been reported as a compound heterozygous genotype together with a truncating variant in an individual who was diagnosed with permanent neonatal diabetes; however, no clinical information or preliminary clinical diagnosis was provided to determine whether this accurately described the patient phenotype (Hu_2018). A different variant affecting the same codon has been classified as likely pathogenic/pathogenic by our lab (c.2522G>A, p.Arg841Gln), supporting the critical relevance of codon 841 to ABCC8 protein function. At least one publication reports experimental evidence evaluating an impact on protein function and found the variant resulted in a protein that was prone to aggregation in vitro, and may cause destabilization of the surrounding domain (Alvarez_2017). Indeed, other variants that affect the same amino acid have been reported in association with hyperinsulinism in the HGMD database, suggesting Arg841 may be important for proper protein function. The following publications have been ascertained in the context of this evaluation (PMID: 28346775, 11395395, 29095814, 10202168, 38212772). ClinVar contains an entry for this variant (Variation ID: 1489024). Based on the evidence outlined above, the variant was classified as likely pathogenic.

Labcorp Genetics (formerly Invitae), Labcorp
Classification: Likely pathogenic. Last evaluated: 2024-07-25. Review status: criteria provided, single submitter. Criteria: Invitae Variant Classification Sherloc (09022015). Collection method: clinical testing. Allele origin: germline.
Comment: This sequence change replaces arginine, which is basic and polar, with glycine, which is neutral and non-polar, at codon 841 of the ABCC8 protein (p.Arg841Gly). This variant is not present in population databases (gnomAD no frequency). This missense change has been observed in individual(s) with clinical features of autosomal recessive diffuse or focal hyperinsulinism (PMID: 10202168, 11395395, 29095814). This variant is also known as R842G. ClinVar contains an entry for this variant (Variation ID: 1489024). Advanced modeling of protein sequence and biophysical properties (such as structural, functional, and spatial information, amino acid conservation, physicochemical variation, residue mobility, and thermodynamic stability) performed at Invitae indicates that this missense variant is expected to disrupt ABCC8 protein function with a positive predictive value of 95%. Experimental studies have shown that this missense change affects ABCC8 function (PMID: 28346775). This variant disrupts the p.Arg841 amino acid residue in ABCC8. Other variant(s) that disrupt this residue have been observed in individuals with ABCC8-related conditions (PMID: 11395395, 24686051, 32202736), which suggests that this may be a clinically significant amino acid residue. In summary, the currently available evidence indicates that the variant is pathogenic, but additional data are needed to prove that conclusively. Therefore, this variant has been classified as Likely Pathogenic.

Fulgent Genetics
Classification: Likely pathogenic for Type 2 diabetes mellitus; Leucine-induced hypoglycemia; Hyperinsulinemic hypoglycemia, familial, 1; Diabetes mellitus, transient neonatal, 2; Diabetes mellitus, permanent neonatal 3. Last evaluated: 2024-05-13. Review status: criteria provided, single submitter. Criteria: ACMG Guidelines, 2015. Collection method: clinical testing. Allele origin: germline.

Literature cited by the submitters: PubMed 29095814 (cited by 3 submitters); PubMed 38212772 (cited by Natera, Inc. and Women's Health and Genetics/Laboratory Corporation of America, LabCorp); PubMed 28346775 (cited by 3 submitters); PubMed 11395395 (cited by Women's Health and Genetics/Laboratory Corporation of America, LabCorp and Labcorp Genetics (formerly Invitae), Labcorp); PubMed 10202168 (cited by Women's Health and Genetics/Laboratory Corporation of America, LabCorp and Labcorp Genetics (formerly Invitae), Labcorp); PubMed 24686051 (cited by Labcorp Genetics (formerly Invitae), Labcorp); PubMed 32202736 (cited by Labcorp Genetics (formerly Invitae), Labcorp).